The following is an entry in ClinVar:

NM_177438.3(DICER1):c.5365-3T>A

Gene: DICER1 (dicer 1, ribonuclease III; minus strand). Cytogenetic location: 14q32.13.
Variant type: single nucleotide variant.
Coding change: c.5365-3T>A on transcript NM_177438.3 (MANE Select); 3 bases into the intron before coding-DNA position 5365, T replaced by A.
Molecular consequence: intron variant.
Genome position (GRCh38, 1-based): chr14:95,091,368, A>T on the plus strand (T>A on the coding strand, the complement: DICER1 is on the minus strand). VCF-style: chr14-95091368-A-T. GRCh37 (hg19) VCF-style: chr14-95557705-A-T.
Other names: c.5365-3T>A (NM_001291628.2, NM_030621.4, NM_001271282.3); c.5365-259T>A (NM_001195573.1).
Identifiers: ClinVar variation 825678 (VCV000825678.10), dbSNP rs753581649, ClinGen allele CA615844847.

ClinVar aggregate classification (germline): Uncertain significance. Review status: criteria provided, multiple submitters, no conflicts (2 of 4 stars). 2 submissions from 2 submitters: Uncertain significance (2). Last evaluated 2025-11-17.

Conditions:
DICER1-related tumor predisposition. Also called: DICER1-related pleuropulmonary blastoma cancer predisposition syndrome; DICER1 syndrome. Identifiers: Orphanet 284343, MedGen C3839822, MONDO:0100216.
Hereditary cancer-predisposing syndrome. Also called: Neoplastic Syndromes, Hereditary; Hereditary Cancer Syndrome; Hereditary neoplastic syndrome; Tumor predisposition. Identifiers: Orphanet 140162, MedGen C0027672, MeSH D009386, MONDO:0015356.

Allele frequency attached by ClinVar (database versions not stated): TOPMed 0.00001.
gnomAD v4.1: 1 of 1,614,056 alleles (0.000062%); highest among the groups gnomAD compares: African/African-American, 0.0013%; no homozygotes.

Submissions (2):

Labcorp Genetics (formerly Invitae), Labcorp
Classification: Uncertain significance for DICER1-related tumor predisposition. Last evaluated: 2025-11-17. Review status: criteria provided, single submitter. Criteria: Invitae Variant Classification Sherloc (09022015). Collection method: clinical testing. Allele origin: germline.
Comment: This sequence change falls in intron 24 of the DICER1 gene. It does not directly change the encoded amino acid sequence of the DICER1 protein. It affects a nucleotide within the consensus splice site. This variant is present in population databases (no rsID available, gnomAD 0.007%). This variant has not been reported in the literature in individuals affected with DICER1-related conditions. ClinVar contains an entry for this variant (Variation ID: 825678). Variants that disrupt the consensus splice site are a relatively common cause of aberrant splicing (PMID: 17576681, 9536098). Studies have shown that this variant is associated with inconclusive levels of altered splicing (internal data). In summary, the available evidence is currently insufficient to determine the role of this variant in disease. Therefore, it has been classified as a Variant of Uncertain Significance.

Ambry Genetics
Classification: Uncertain significance for Hereditary cancer-predisposing syndrome. Last evaluated: 2025-08-11. Review status: criteria provided, single submitter. Criteria: Ambry Variant Classification Scheme 2023. Collection method: clinical testing. Allele origin: germline.
Comment: The c.5365-3T>A intronic variant results from a T to A substitution 3 nucleotides upstream from coding exon 24 in the DICER1 gene. This nucleotide position is not well conserved in available vertebrate species. In silico splice site analysis predicts that this alteration may result in the creation or strengthening of a novel splice acceptor site; however, direct evidence is insufficient at this time (Ambry internal data). Since supporting evidence is limited at this time, the clinical significance of this alteration remains unclear.

Literature cited by the submitters: PubMed 17576681 (cited by Labcorp Genetics (formerly Invitae), Labcorp); PubMed 9536098 (cited by Labcorp Genetics (formerly Invitae), Labcorp).